The following is an entry in ClinVar:

ClinVar aggregate classification (germline): Uncertain significance (1 of 4 stars; one submission).

Allele frequency attached by ClinVar (database versions not stated): gnomAD exomes below 0.00001; TOPMed below 0.00001.
gnomAD v4.1: 2 of 1,613,022 alleles (0.00012%); highest among the groups gnomAD compares: Non-Finnish European, 0.00017%; no homozygotes.

Submission:

Labcorp Genetics (formerly Invitae), Labcorp
Classification: Uncertain significance. Last evaluated: 2021-01-14. Review status: criteria provided, single submitter. Criteria: Invitae Variant Classification Sherloc (09022015). Collection method: clinical testing. Allele origin: germline.
Comment: This sequence change replaces leucine with proline at codon 328 of the LCA5 protein (p.Leu328Pro). The leucine residue is weakly conserved and there is a moderate physicochemical difference between leucine and proline. This variant is not present in population databases (ExAC no frequency). This variant has not been reported in the literature in individuals with LCA5-related conditions. Algorithms developed to predict the effect of missense changes on protein structure and function are either unavailable or do not agree on the potential impact of this missense change (SIFT: "Tolerated"; PolyPhen-2: "Possibly Damaging"; Align-GVGD: "Class C0"). In summary, the available evidence is currently insufficient to determine the role of this variant in disease. Therefore, it has been classified as a Variant of Uncertain Significance.

NM_001122769.3(LCA5):c.983T>C (p.Leu328Pro)

Gene: LCA5 (lebercilin LCA5; minus strand). Cytogenetic location: 6q14.1.
Variant type: single nucleotide variant.
Coding change: c.983T>C on transcript NM_001122769.3 (MANE Select); coding-DNA position 983, T replaced by C.
Protein change: p.Leu328Pro; replaces leucine 328 with proline.
Molecular consequence: missense variant.
Genome position (GRCh38, 1-based): chr6:79,491,703, A>G on the plus strand (T>C on the coding strand, the complement: LCA5 is on the minus strand). VCF-style: chr6-79491703-A-G. GRCh37 (hg19) VCF-style: chr6-80201420-A-G.
Other names: c.983T>C, p.Leu328Pro (NM_181714.4); short protein forms L328P.
Identifiers: ClinVar variation 1479330 (VCV001479330.8), dbSNP rs1326379647, ClinGen allele CA364644256.